The following is an entry in ClinVar:

ClinVar aggregate classification (germline): Pathogenic (1 of 4 stars; one submission).

Conditions:
Familial intrahepatic cholestasis. Identifiers: Orphanet 284385, MedGen CN296401, MONDO:0017290.

Submission:

Genomenon, Inc
Classification: Pathogenic for Familial intrahepatic cholestasis. Last evaluated: 2026-04-14. Review status: criteria provided, single submitter. Criteria: Genomenon Sequence Variant Interpretation Standards - Updated. Collection method: curation. Allele origin: germline. Affected: yes.
Comment: ABCB4 p.Ser849TyrfsTer24 (c.2544_2548del) is a frameshift variant that results in the production of a truncated protein which is predicted to undergo nonsense-mediated mRNA decay. This variant has been observed in at least one proband with an ABCB4-related disorder (PMID:26324191). It is absent or not present at a significant frequency in gnomAD. In conclusion, we classify ABCB4 p.Ser849TyrfsTer24 (c.2544_2548del) as a pathogenic variant.

Literature cited by the submitters: PubMed 26324191.

NM_000443.4(ABCB4):c.2544_2548del (p.Ser849fs)

Gene: ABCB4 (ATP binding cassette subfamily B member 4; minus strand). Cytogenetic location: 7q21.12.
Variant type: Microsatellite.
Coding change: c.2544_2548del on transcript NM_000443.4 (MANE Select); coding-DNA positions 2544 to 2548, 5 bases deleted (ATCAT; older notation c.2544_2548delATCAT).
Protein change: p.Ser849fs; shifts the reading frame from serine 849.
Molecular consequence: frameshift variant.
Genome position (GRCh38, 1-based): chr7:87,417,446-87,417,450, ATGAT deleted on the plus strand (ATCAT on the coding strand, the reverse complement: ABCB4 is on the minus strand); deleting any 5 consecutive bases within chr7:87,417,446-87,417,456 gives the same sequence; the c. name uses the placement nearest the transcript's 3' end. VCF-style (leftmost placement, unchanged base first): chr7-87417445-AATGAT-A. GRCh37 (hg19) VCF-style: chr7-87046761-AATGAT-A.
Other names: c.2544_2548del, p.Ser849fs (NM_018849.3, NM_018850.3); short protein forms S849fs.
Identifiers: ClinVar variation 4846628 (VCV004846628.1).